The following is an entry in ClinVar:

NM_177438.3(DICER1):c.3495C>A (p.His1165Gln)

Gene: DICER1 (dicer 1, ribonuclease III; minus strand). Cytogenetic location: 14q32.13.
Variant type: single nucleotide variant.
Coding change: c.3495C>A on transcript NM_177438.3 (MANE Select); coding-DNA position 3495, C replaced by A.
Protein change: p.His1165Gln; replaces histidine 1165 with glutamine.
Molecular consequence: missense variant.
Genome position (GRCh38, 1-based): chr14:95,103,901, G>T on the plus strand (C>A on the coding strand, the complement: DICER1 is on the minus strand). VCF-style: chr14-95103901-G-T. GRCh37 (hg19) VCF-style: chr14-95570238-G-T.
Other names: c.3495C>A, p.His1165Gln (NM_001195573.1, NM_001271282.3, NM_001291628.2 and 1 more transcripts); short protein forms H1165Q.
Identifiers: ClinVar variation 823842 (VCV000823842.13), dbSNP rs372581591, ClinGen allele CA390875188.

ClinVar aggregate classification (germline): Conflicting classifications of pathogenicity. Review status: criteria provided, conflicting classifications (1 of 4 stars). 2 submissions from 2 submitters: Uncertain significance (1); Likely benign (1). Last evaluated 2024-04-02.

Conditions:
Hereditary cancer-predisposing syndrome. Also called: Neoplastic Syndromes, Hereditary; Hereditary Cancer Syndrome; Hereditary neoplastic syndrome; Tumor predisposition. Identifiers: Orphanet 140162, MedGen C0027672, MeSH D009386, MONDO:0015356.
DICER1-related tumor predisposition. Also called: DICER1-related pleuropulmonary blastoma cancer predisposition syndrome; DICER1 syndrome. Identifiers: Orphanet 284343, MedGen C3839822, MONDO:0100216.

Allele frequency attached by ClinVar (database versions not stated): TOPMed 0.00001.

Submissions (2):

Labcorp Genetics (formerly Invitae), Labcorp
Classification: Uncertain significance for DICER1-related tumor predisposition. Last evaluated: 2024-04-02. Review status: criteria provided, single submitter. Criteria: Invitae Variant Classification Sherloc (09022015). Collection method: clinical testing. Allele origin: germline.
Comment: This sequence change replaces histidine, which is basic and polar, with glutamine, which is neutral and polar, at codon 1165 of the DICER1 protein (p.His1165Gln). This variant is not present in population databases (gnomAD no frequency). This variant has not been reported in the literature in individuals affected with DICER1-related conditions. ClinVar contains an entry for this variant (Variation ID: 823842). Advanced modeling of protein sequence and biophysical properties (such as structural, functional, and spatial information, amino acid conservation, physicochemical variation, residue mobility, and thermodynamic stability) performed at Invitae indicates that this missense variant is not expected to disrupt DICER1 protein function with a negative predictive value of 80%. In summary, the available evidence is currently insufficient to determine the role of this variant in disease. Therefore, it has been classified as a Variant of Uncertain Significance.

Ambry Genetics
Classification: Likely benign for Hereditary cancer-predisposing syndrome. Last evaluated: 2019-09-28. Review status: criteria provided, single submitter. Criteria: Ambry Variant Classification Scheme 2023. Collection method: clinical testing. Allele origin: germline.